The following is an entry in ClinVar:

ClinVar aggregate classification (germline): Pathogenic. Review status: criteria provided, multiple submitters, no conflicts (2 of 4 stars). 12 submissions from 11 submitters: Pathogenic (11). 1 of the submissions does not count toward it. Last evaluated 2025-03-16.

Conditions:
Inborn genetic diseases. Identifiers: MedGen C0950123, MeSH D030342.
Neurodegeneration with brain iron accumulation 5 (NBIA5). Also called: STATIC ENCEPHALOPATHY OF CHILDHOOD WITH NEURODEGENERATION IN ADULTHOOD; Beta-propeller protein-associated neurodegeneration. Identifiers: Orphanet 329284, MedGen C3550973, MONDO:0010476, OMIM 300894.
Global developmental delay (DD). Also called: Cognitive delay. Identifiers: MedGen C0557874, HP:0001263. Disease mechanism: loss of function.
Delayed gross motor development. Identifiers: MedGen C1837658, HP:0002194.
Hypoplasia of the corpus callosum. Also called: Corpus callosum hypoplasia. Identifiers: MedGen C0344482, HP:0002079.
Absent speech. Also called: Absent speech development. Identifiers: MedGen C1854882, HP:0001344.
Delayed speech and language development. Also called: Language delay. Identifiers: MedGen C0454644, HP:0000750.
Seizure. Also called: Seizures. Identifiers: MedGen C0036572, HP:0001250.

Submissions (12):

Labcorp Genetics (formerly Invitae), Labcorp
Classification: Pathogenic for Neurodegeneration with brain iron accumulation 5. Last evaluated: 2025-03-16. Review status: criteria provided, single submitter. Criteria: Invitae Variant Classification Sherloc (09022015). Collection method: clinical testing. Allele origin: germline.
Comment: This sequence change creates a premature translational stop signal (p.Arg234*) in the WDR45 gene. It is expected to result in an absent or disrupted protein product. Loss-of-function variants in WDR45 are known to be pathogenic (PMID: 23176820, 24368176, 24621584, 25744623, 26790960, 27030146, 27652284, 28554332). This variant is not present in population databases (gnomAD no frequency). This premature translational stop signal has been observed in individual(s) with neurodegeneration with brain iron accumulation (PMID: 23176820, 23687123, 28932395, 29171013, 29981852). In at least one individual the variant was observed to be de novo. ClinVar contains an entry for this variant (Variation ID: 41912). Algorithms developed to predict the effect of sequence changes on RNA splicing suggest that this variant may disrupt the consensus splice site. For these reasons, this variant has been classified as Pathogenic.

Women's Health and Genetics/Laboratory Corporation of America, LabCorp
Classification: Pathogenic for Neurodegeneration with brain iron accumulation 5. Last evaluated: 2024-06-07. Review status: criteria provided, single submitter. Criteria: LabCorp Variant Classification Summary - May 2015. Collection method: clinical testing. Allele origin: germline.
Comment: Variant summary: WDR45 c.700C>T (p.Arg234X) results in a premature termination codon, predicted to cause a truncation of the encoded protein or absence of the protein due to nonsense mediated decay, which are commonly known mechanisms for disease. The variant was absent in 183324 control chromosomes. c.700C>T has been reported in the literature in individuals affected with Neurodegeneration With Brain Iron Accumulation 5 (Endo_2017, Carvill_2017) and this variant was observed as de novo. These data indicate that the variant may be associated with disease. To our knowledge, no experimental evidence demonstrating an impact on protein function has been reported. The following publications have been ascertained in the context of this evaluation (PMID: 29171013, 28932395). ClinVar contains an entry for this variant (Variation ID: 41912). Based on the evidence outlined above, the variant was classified as pathogenic.

Victorian Clinical Genetics Services, Murdoch Childrens Research Institute
Classification: Pathogenic for Neurodegeneration with brain iron accumulation 5. Last evaluated: 2023-07-17. Review status: criteria provided, single submitter. Criteria: ACMG Guidelines, 2015. Collection method: clinical testing. Allele origin: germline. Inheritance: X-linked dominant inheritance. Affected: yes.
Comment: Based on the classification scheme VCGS_Germline_v1.3.4, this variant is classified as Pathogenic. Following criteria are met: 0102 - Loss of function is a known mechanism of disease in this gene and is associated with neurodegeneration with brain iron accumulation 5 (MIM#300894). (I) 0110 - This gene is associated with X-linked dominant disease. (I) 0201 - Variant is predicted to cause nonsense-mediated decay (NMD) and loss of protein (premature termination codon is located at least 54 nucleotides upstream of the final exon-exon junction). (SP) 0251 - This variant is heterozygous. (I) 0301 - Variant is absent from gnomAD (both v2 and v3). (SP) 0701 - Other NMD-predicted variants comparable to the one identified in this case have very strong previous evidence for pathogenicity. These variants have been reported many times as pathogenic (DECIPHER). (SP) 0801 - This variant has strong previous evidence of pathogenicity in unrelated individuals. This variant has been reported many times as pathogenic (ClinVar), and observed in a heterozygous individual with developmental delay, in whom the variant was de novo (PMID: 29981852). (SP) Legend: (SP) - Supporting pathogenic, (I) - Information, (SB) - Supporting benign

GeneDx
Classification: Pathogenic. Last evaluated: 2022-08-25. Review status: criteria provided, single submitter. Criteria: GeneDx Variant Classification Process June 2021. Collection method: clinical testing. Allele origin: germline. Affected: yes.
Comment: Nonsense variant predicted to result in protein truncation or nonsense mediated decay in a gene for which loss-of-function is a known mechanism of disease; Not observed in large population cohorts (gnomAD); This variant is associated with the following publications: (PMID: 27159028, 23687123, 23176820, 26795593, 28932395, 29171013, 26725113, 29286531, 30842224, 31618753, 33504798, 30542205, 34490615, 32342562, 29981852, 31785789)

Greenwood Genetic Center Diagnostic Laboratories, Greenwood Genetic Center
Classification: Pathogenic for Neurodegeneration with brain iron accumulation 5. Last evaluated: 2022-03-17. Review status: criteria provided, single submitter. Criteria: ACMG Guidelines, 2015. Collection method: clinical testing. Allele origin: germline. Affected: yes.
Comment: PVS1 PS2 PM2

Baylor Genetics
Classification: Pathogenic for Neurodegeneration with brain iron accumulation 5. Last evaluated: 2020-09-17. Review status: criteria provided, single submitter. Criteria: ACMG Guidelines, 2015. Collection method: clinical testing. Allele origin: unknown. Affected: yes.
Comment: This variant was determined to be pathogenic according to ACMG Guidelines, 2015 [PMID:25741868].

CeGaT Center for Human Genetics Tuebingen
Classification: Pathogenic. Last evaluated: 2019-01-01. Review status: criteria provided, single submitter. Criteria: CeGaT Center For Human Genetics Tuebingen Variant Classification Criteria Version 2. Collection method: clinical testing. Allele origin: germline. Affected: yes. Observed: 1 variant allele.

Centre for Mendelian Genomics, University Medical Centre Ljubljana
Classification: Pathogenic for Neurodegeneration with brain iron accumulation 5. Last evaluated: 2016-01-01. Review status: criteria provided, single submitter. Criteria: ACMG Guidelines, 2015. Collection method: clinical testing. Allele origin: unknown. Affected: yes.
Comment: This variant was classified as: Pathogenic.

Ambry Genetics
Classification: Pathogenic for Inborn genetic diseases. Last evaluated: 2014-10-27. Review status: criteria provided, single submitter. Criteria: Ambry Variant Classification Scheme 2023. Collection method: clinical testing. Allele origin: germline.
Comment: The c.700C>T (p.R234*) alteration, located in exon 9 (coding exon 7) of the WDR45 gene, consists of a C to T substitution at nucleotide position 700. This changes the amino acid from a arginine (R) to a stop codon at amino acid position 234. Premature stop codons are typically deleterious in nature (Richards, 2015). The alteration is not observed in healthy cohorts:_x000D_ Based on data from the NHLBI Exome Sequencing Project (ESP), the WDR45 c.700C>T (p.R234*) alteration was not observed among 6,453 individuals tested (0.0%). Allele frequency data for this nucleotide position are not currently available from the 1000 Genomes Project and the alteration is not currently listed in the Database of Single Nucleotide Polymorphisms (dbSNP). Though some variants may appear to be rare due to database-specific ethnic underrepresentation, rare missense alleles commonly exhibit a deleterious effect on protein function (Kryukov, 2007; Tennessen, 2012). IF USED, PULL THESE INTO REFERENCES:_x000D_ Kryukov GV, et al. (2007) Am J Hum Genet 80:727-739. Tennessen JA, et al. (2012) Science 337(64):64-69. This patient's phenotype included developmental delay and intellectual disability, progressive psychomotor slowing in adolescence, dystonia and Parkinsonism with a positive response to L-DOPA, limited expressive language, stroke, and epilepsy characterized by absence, atonic, and febrile seizures. Based on the available evidence, this alteration is classified as pathogenic.

Centre for Mendelian Genomics, University Medical Centre Ljubljana
Classification: Pathogenic for Absent speech; Delayed gross motor development; Delayed speech and language development; Global developmental delay; Hypoplasia of the corpus callosum; Seizure. Last evaluated: 2014-04-01. Review status: criteria provided, single submitter. Criteria: ACMG Guidelines, 2015. Collection method: clinical testing. Allele origin: unknown. Affected: yes.

TIDEX, University of British Columbia
Classification: Pathogenic for Neurodegeneration with brain iron accumulation 5. Review status: criteria provided, single submitter. Criteria: ACMG Guidelines, 2015. Collection method: research. Allele origin: maternal. Inheritance: X-linked inheritance. Affected: yes.

OMIM
Classification: Pathogenic for NEURODEGENERATION WITH BRAIN IRON ACCUMULATION 5. Last evaluated: 2012-12-07. Review status: no assertion criteria provided. Collection method: literature only. Allele origin: germline. Not counted in ClinVar's aggregate classification.

Literature cited by the submitters: PubMed 23176820 (cited by Labcorp Genetics (formerly Invitae), Labcorp and OMIM); PubMed 24368176 (cited by Labcorp Genetics (formerly Invitae), Labcorp); PubMed 24621584 (cited by Labcorp Genetics (formerly Invitae), Labcorp); PubMed 25744623 (cited by Labcorp Genetics (formerly Invitae), Labcorp); PubMed 26790960 (cited by Labcorp Genetics (formerly Invitae), Labcorp); PubMed 27030146 (cited by Labcorp Genetics (formerly Invitae), Labcorp); PubMed 27652284 (cited by Labcorp Genetics (formerly Invitae), Labcorp); PubMed 28554332 (cited by Labcorp Genetics (formerly Invitae), Labcorp); PubMed 23687123 (cited by Labcorp Genetics (formerly Invitae), Labcorp); PubMed 28932395 (cited by Labcorp Genetics (formerly Invitae), Labcorp and Women's Health and Genetics/Laboratory Corporation of America, LabCorp); PubMed 29171013 (cited by Labcorp Genetics (formerly Invitae), Labcorp and Women's Health and Genetics/Laboratory Corporation of America, LabCorp); PubMed 29981852 (cited by Labcorp Genetics (formerly Invitae), Labcorp and Victorian Clinical Genetics Services, Murdoch Childrens Research Institute).

NM_001029896.2(WDR45):c.697C>T (p.Arg233Ter)

Gene: WDR45 (WD repeat domain 45; minus strand). Cytogenetic location: Xp11.23.
Variant type: single nucleotide variant.
Coding change: c.697C>T on transcript NM_001029896.2 (MANE Select); coding-DNA position 697, C replaced by T.
Protein change: p.Arg233Ter; replaces arginine 233 with a stop codon.
Molecular consequence: nonsense.
Genome position (GRCh38, 1-based): chrX:49,075,573, G>A on the plus strand (C>T on the coding strand, the complement: WDR45 is on the minus strand). VCF-style: chrX-49075573-G-A. GRCh37 (hg19) VCF-style: chrX-48933232-G-A.
Other names: c.700C>T, p.Arg234Ter (NM_007075.4); short protein forms R234*, R233*.
Identifiers: ClinVar variation 41912 (VCV000041912.67), dbSNP rs387907329, ClinGen allele CA214837.